The following is an entry in ClinVar:

NM_001145319.2(PLS1):c.1028A>G (p.Asp343Gly)

Gene: PLS1 (plastin 1; plus strand). Cytogenetic location: 3q23.
Variant type: single nucleotide variant.
Coding change: c.1028A>G on transcript NM_001145319.2 (MANE Select); coding-DNA position 1028, A replaced by G.
Protein change: p.Asp343Gly; replaces aspartic acid 343 with glycine.
Molecular consequence: missense variant.
Genome position (GRCh38, 1-based): chr3:142,689,664, A>G. VCF-style: chr3-142689664-A-G. GRCh37 (hg19) VCF-style: chr3-142408506-A-G.
Other names: c.1028A>G, p.Asp343Gly (NM_001172312.2, NM_002670.3); short protein forms D343G.
Identifiers: ClinVar variation 4077368 (VCV004077368.1).

ClinVar aggregate classification (germline): Uncertain significance (1 of 4 stars; one submission).

Submission:

GeneDx
Classification: Uncertain significance. Last evaluated: 2025-03-01. Review status: criteria provided, single submitter. Criteria: GeneDx Variant Classification Process June 2021. Collection method: clinical testing. Allele origin: germline. Affected: yes.
Comment: Not observed at significant frequency in large population cohorts (gnomAD); In silico analysis supports that this missense variant has a deleterious effect on protein structure/function; Has not been previously published as pathogenic or benign to our knowledge